The following is an entry in ClinVar:

NM_203288.2(RP9):c.32G>A (p.Gly11Glu)

Genes: RP9 (RP9 pre-mRNA splicing factor; minus strand), LOC129998225 (ATAC-STARR-seq lymphoblastoid silent region 18090; plus strand). Cytogenetic location: 7p14.3.
Variant type: single nucleotide variant.
Coding change: c.32G>A on transcript NM_203288.2 (MANE Select); coding-DNA position 32, G replaced by A.
Protein change: p.Gly11Glu; replaces glycine 11 with glutamic acid.
Molecular consequence: missense variant.
Genome position (GRCh38, 1-based): chr7:33,109,341, C>T on the plus strand (G>A on the coding strand, the complement: RP9 is on the minus strand). VCF-style: chr7-33109341-C-T. GRCh37 (hg19) VCF-style: chr7-33148953-C-T.
Other names: short protein forms G11E.
Identifiers: ClinVar variation 912074 (VCV000912074.15), dbSNP rs575755283, ClinGen allele CA4213837.

ClinVar aggregate classification (germline): Uncertain significance. Review status: criteria provided, multiple submitters, no conflicts (2 of 4 stars). 4 submissions from 4 submitters: Uncertain significance (4). Last evaluated 2025-09-08.

Conditions:
Retinitis pigmentosa (RP). Identifiers: Orphanet 791, MedGen C0035334, MeSH D012174, MONDO:0019200, OMIM 268000. Inheritance: Autosomal dominant, autosomal recessive and X linked inheritance.
Retinitis pigmentosa 9 (RP9). Identifiers: Orphanet 791, MedGen C1867300, MONDO:0008378, OMIM 180104.

Allele frequency attached by ClinVar (database versions not stated): gnomAD below 0.00001 and 0.00010; TOPMed 0.00002; gnomAD exomes 0.00007 and 0.00025; 1000 Genomes Project 0.00020; 1000 Genomes Project 30x 0.00078; ExAC 0.00089.
gnomAD v4.1: 116 of 1,447,316 alleles (0.008%); highest among the groups gnomAD compares: South Asian, 0.14%; 1 homozygote.

Submissions (4):

Labcorp Genetics (formerly Invitae), Labcorp
Classification: Uncertain significance. Last evaluated: 2025-09-08. Review status: criteria provided, single submitter. Criteria: Invitae Variant Classification Sherloc (09022015). Collection method: clinical testing. Allele origin: germline.
Comment: This sequence change replaces glycine, which is neutral and non-polar, with glutamic acid, which is acidic and polar, at codon 11 of the RP9 protein (p.Gly11Glu). This variant is present in population databases (rs575755283, gnomAD 0.1%), and has an allele count higher than expected for a pathogenic variant. This variant has not been reported in the literature in individuals affected with RP9-related conditions. ClinVar contains an entry for this variant (Variation ID: 912074). An algorithm developed to predict the effect of missense changes on protein structure and function (PolyPhen-2) suggests that this variant is likely to be tolerated. In summary, the available evidence is currently insufficient to determine the role of this variant in disease. Therefore, it has been classified as a Variant of Uncertain Significance.

Ambry Genetics
Classification: Uncertain significance. Last evaluated: 2023-02-15. Review status: criteria provided, single submitter. Criteria: Ambry Variant Classification Scheme 2023. Collection method: clinical testing. Allele origin: germline.

Fulgent Genetics
Classification: Uncertain significance for Retinitis pigmentosa 9. Last evaluated: 2021-08-04. Review status: criteria provided, single submitter. Criteria: ACMG Guidelines, 2015. Collection method: clinical testing. Allele origin: unknown.

Illumina Laboratory Services, Illumina
Classification: Uncertain significance for Retinitis pigmentosa. Last evaluated: 2018-01-13. Review status: criteria provided, single submitter. Criteria: ICSL Variant Classification Criteria 13 December 2019. Collection method: clinical testing. Allele origin: germline.